The following is an entry in ClinVar:

NM_001042517.2(DIAPH3):c.3125G>A (p.Arg1042His)

Gene: DIAPH3 (diaphanous related formin 3; minus strand). Cytogenetic location: 13q21.2.
Variant type: single nucleotide variant.
Coding change: c.3125G>A on transcript NM_001042517.2 (MANE Select); coding-DNA position 3125, G replaced by A.
Protein change: p.Arg1042His; replaces arginine 1042 with histidine.
Molecular consequence: missense variant.
Genome position (GRCh38, 1-based): chr13:59,810,826, C>T on the plus strand (G>A on the coding strand, the complement: DIAPH3 is on the minus strand). VCF-style: chr13-59810826-C-T. GRCh37 (hg19) VCF-style: chr13-60384960-C-T.
Other names: c.3092G>A, p.Arg1031His (NM_001258366.2); c.2987G>A, p.Arg996His (NM_001258367.2); c.2915G>A, p.Arg972His (NM_001258368.2); c.3125G>A, p.Arg1042His (NM_001258369.2); c.2336G>A, p.Arg779His (NM_030932.4); short protein forms R1042H, R996H, R1031H, R779H, R972H.
Identifiers: ClinVar variation 546124 (VCV000546124.9), dbSNP rs200189161, ClinGen allele CA6996159.

ClinVar aggregate classification (germline): Conflicting classifications of pathogenicity. Review status: criteria provided, conflicting classifications (1 of 4 stars). 4 submissions from 4 submitters: Uncertain significance (2); Likely benign (2). Last evaluated 2026-05-27.

Conditions:
DIAPH3-related disorder. Also called: DIAPH3-related condition.

Allele frequency attached by ClinVar (database versions not stated): gnomAD 0.00035 and 0.00036; TOPMed 0.00036; 1000 Genomes Project 0.00040; 1000 Genomes Project 30x 0.00047; gnomAD exomes 0.00018 and 0.00019; ExAC 0.00024; ESP Exome Variant Server 0.00034.
gnomAD v4.1: 315 of 1,613,536 alleles (0.02%); highest among the groups gnomAD compares: Non-Finnish European, 0.023%; no homozygotes.

Submissions (4):

PreventionGenetics, part of Exact Sciences
Classification: Uncertain significance for DIAPH3-related condition. Last evaluated: 2026-05-27. Review status: criteria provided, single submitter. Criteria: ACMG Guidelines, 2015. Collection method: clinical testing. Allele origin: germline.
Comment: The DIAPH3 c.3125G>A variant is predicted to result in the amino acid substitution p.Arg1042His. This variant was reported as causative for non-syndromic hearing loss, although evidence of pathogenicity was not presented (Sommen et al 2016. PubMed ID: 27068579). This variant is reported in 0.034% of alleles in individuals of European (Non-Finnish) descent in gnomAD, including 60 heterozygotes. While we suspect this variant may be benign, at this time, the clinical significance of this variant is uncertain due to the absence of conclusive functional and genetic evidence.

Blueprint Genetics
Classification: Likely benign. Last evaluated: 2024-09-02. Review status: criteria provided, single submitter. Criteria: ACMG Guidelines, 2015. Collection method: clinical testing. Allele origin: germline.

Labcorp Genetics (formerly Invitae), Labcorp
Classification: Uncertain significance. Last evaluated: 2024-05-29. Review status: criteria provided, single submitter. Criteria: Invitae Variant Classification Sherloc (09022015). Collection method: clinical testing. Allele origin: germline.
Comment: This sequence change replaces arginine, which is basic and polar, with histidine, which is basic and polar, at codon 1042 of the DIAPH3 protein (p.Arg1042His). This variant is present in population databases (rs200189161, gnomAD 0.04%). This missense change has been observed in individual(s) with DIAPH3-related conditions (PMID: 27068579). ClinVar contains an entry for this variant (Variation ID: 546124). An algorithm developed to predict the effect of missense changes on protein structure and function (PolyPhen-2) suggests that this variant is likely to be disruptive. In summary, the available evidence is currently insufficient to determine the role of this variant in disease. Therefore, it has been classified as a Variant of Uncertain Significance.

GeneDx
Classification: Likely benign. Last evaluated: 2020-11-11. Review status: criteria provided, single submitter. Criteria: GeneDx Variant Classification Process June 2021. Collection method: clinical testing. Allele origin: germline. Affected: yes.
Comment: This variant is associated with the following publications: (PMID: 21220648, 23447461, 27068579)

Literature cited by the submitters: PubMed 27068579 (cited by Labcorp Genetics (formerly Invitae), Labcorp).